The following is an entry in ClinVar:

ClinVar aggregate classification (germline): Pathogenic (1 of 4 stars; one submission).

Conditions:
Short-rib thoracic dysplasia 14 with polydactyly (SRTD14). Identifiers: Orphanet 397715, MedGen C4225286, MONDO:0014688, OMIM 616546.
Joubert syndrome 23 (JBTS23). Identifiers: Orphanet 475, MedGen C4084822, MONDO:0014664, OMIM 616490.

Submission:

Labcorp Genetics (formerly Invitae), Labcorp
Classification: Pathogenic for Joubert syndrome 23; Short-rib thoracic dysplasia 14 with polydactyly. Last evaluated: 2025-07-31. Review status: criteria provided, single submitter. Criteria: Invitae Variant Classification Sherloc (09022015). Collection method: clinical testing. Allele origin: germline.
Comment: This sequence change creates a premature translational stop signal (p.Ala1160Cysfs*6) in the KIAA0586 gene. It is expected to result in an absent or disrupted protein product. Loss-of-function variants in KIAA0586 are known to be pathogenic (PMID: 26096313, 26166481, 26386044). This variant is not present in population databases (gnomAD no frequency). This variant has not been reported in the literature in individuals affected with KIAA0586-related conditions. For these reasons, this variant has been classified as Pathogenic.

Literature cited by the submitters: PubMed 26096313; PubMed 26166481; PubMed 26386044.

NM_001329943.3(KIAA0586):c.3318dup (p.Ala1107fs)

Gene: KIAA0586 (KIAA0586; plus strand). Cytogenetic location: 14q23.1.
Variant type: Duplication.
Coding change: c.3318dup on transcript NM_001329943.3 (MANE Select); coding-DNA position 3318, one base duplicated (T; older notation c.3318dupT).
Protein change: p.Ala1107fs; shifts the reading frame from alanine 1107.
Molecular consequence: frameshift variant.
Genome position (GRCh38, 1-based): chr14:58,487,900, T duplicated. VCF-style (leftmost placement, unchanged base first): chr14-58487899-C-CT. GRCh37 (hg19) VCF-style: chr14-58954617-C-CT.
Other names: c.3477dup, p.Ala1160fs (NM_001244189.2); c.3273dup, p.Ala1092fs (NM_001244190.2); c.3063dup, p.Ala1022fs (NM_001244191.2, NM_001329945.2, NM_001364700.1 and 1 more transcripts); c.3186dup, p.Ala1063fs (NM_001244192.2); c.2898dup, p.Ala967fs (NM_001244193.2); c.3318dup, p.Ala1107fs (NM_001329944.2, NM_001329946.2, NM_001329947.2); c.3090dup, p.Ala1031fs (NM_014749.5); short protein forms A1022fs, A1063fs, A967fs, A1092fs, A1031fs, A1107fs, A1160fs.
Identifiers: ClinVar variation 4792143 (VCV004792143.1).